The following is an entry in ClinVar:

ClinVar aggregate classification (germline): Uncertain significance (1 of 4 stars; one submission).

Allele frequency attached by ClinVar (database versions not stated): gnomAD exomes below 0.00001; TOPMed below 0.00001; ESP Exome Variant Server 0.00008.
gnomAD v4.1: 1 of 1,599,862 alleles (0.000063%); highest among the groups gnomAD compares: Non-Finnish European, 0.000085%; no homozygotes.

Submission:

GeneDx
Classification: Uncertain significance. Last evaluated: 2022-07-05. Review status: criteria provided, single submitter. Criteria: GeneDx Variant Classification Process June 2021. Collection method: clinical testing. Allele origin: germline. Affected: yes.
Comment: Not observed at significant frequency in large population cohorts (gnomAD); In silico analysis supports that this missense variant has a deleterious effect on protein structure/function; Has not been previously published as pathogenic or benign to our knowledge

NM_004447.6(EPS8):c.2374G>A (p.Glu792Lys)

Gene: EPS8 (EGFR pathway substrate 8, signaling adaptor; minus strand). Cytogenetic location: 12p12.3.
Variant type: single nucleotide variant.
Coding change: c.2374G>A on transcript NM_004447.6 (MANE Select); coding-DNA position 2374, G replaced by A.
Protein change: p.Glu792Lys; replaces glutamic acid 792 with lysine.
Molecular consequence: missense variant.
Genome position (GRCh38, 1-based): chr12:15,621,412, C>T on the plus strand (G>A on the coding strand, the complement: EPS8 is on the minus strand). VCF-style: chr12-15621412-C-T. GRCh37 (hg19) VCF-style: chr12-15774346-C-T.
Other names: c.2410G>A, p.Glu804Lys (NM_001413831.1); c.2374G>A, p.Glu792Lys (NM_001413832.1, NM_001413833.1, NM_001413834.1); c.2134G>A, p.Glu712Lys (NM_001413835.1, NM_001413836.1); c.1957G>A, p.Glu653Lys (NM_001413837.1); c.1594G>A, p.Glu532Lys (NM_001413838.1); short protein forms E532K, E653K, E712K, E792K, E804K.
Identifiers: ClinVar variation 1810466 (VCV001810466.1), dbSNP rs147627051, ClinGen allele CA233337644.